The following is an entry in ClinVar:

ClinVar aggregate classification (germline): Uncertain significance (1 of 4 stars; one submission).

gnomAD v4.1: 2 of 1,208,595 alleles (0.00017%); highest among the groups gnomAD compares: Non-Finnish European, 0.00022%; no homozygotes.

Submission:

GeneDx
Classification: Uncertain significance. Last evaluated: 2024-11-21. Review status: criteria provided, single submitter. Criteria: GeneDx Variant Classification Process June 2021. Collection method: clinical testing. Allele origin: germline. Affected: yes.
Comment: Not observed at significant frequency in large population cohorts (gnomAD); In silico analysis indicates that this missense variant does not alter protein structure/function; In silico analysis suggests this variant may impact gene splicing. In the absence of RNA/functional studies, the actual effect of this sequence change is unknown.; Has not been previously published as pathogenic or benign to our knowledge

NM_201599.3(ZMYM3):c.848G>A (p.Arg283Gln)

Gene: ZMYM3 (zinc finger MYM-type containing 3; minus strand). Cytogenetic location: Xq13.1.
Variant type: single nucleotide variant.
Coding change: c.848G>A on transcript NM_201599.3 (MANE Select); coding-DNA position 848, G replaced by A.
Protein change: p.Arg283Gln; replaces arginine 283 with glutamine.
Molecular consequence: missense variant.
Genome position (GRCh38, 1-based): chrX:71,250,657, C>T on the plus strand (G>A on the coding strand, the complement: ZMYM3 is on the minus strand). VCF-style: chrX-71250657-C-T. GRCh37 (hg19) VCF-style: chrX-70470507-C-T.
Other names: c.848G>A, p.Arg283Gln (NM_001171162.1, NM_001171163.1, NM_005096.3); short protein forms R283Q.
Identifiers: ClinVar variation 3900502 (VCV003900502.1).